The following is an entry in ClinVar:

NM_000321.3(RB1):c.1116del (p.His372fs)

Gene: RB1 (RB transcriptional corepressor 1; plus strand). Cytogenetic location: 13q14.2.
Variant type: Deletion.
Coding change: c.1116del on transcript NM_000321.3 (MANE Select); coding-DNA position 1116, one base deleted (C; older notation c.1116delC).
Protein change: p.His372fs; shifts the reading frame from histidine 372.
Molecular consequence: frameshift variant.
Genome position (GRCh38, 1-based): chr13:48,368,593, C deleted. VCF-style (leftmost placement, unchanged base first): chr13-48368592-AC-A. GRCh37 (hg19) VCF-style: chr13-48942728-AC-A.
Other names: c.1116del, p.His372fs (NM_001407165.1, NM_001407166.1); short protein forms H372fs.
Identifiers: ClinVar variation 3236955 (VCV003236955.1), dbSNP rs2542189979.

ClinVar aggregate classification (germline): Pathogenic (1 of 4 stars; one submission).

Conditions:
Retinoblastoma (RB1). Also called: RETINOBLASTOMA, SOMATIC. Identifiers: Orphanet 790, MedGen C0035335, MeSH D012175, MONDO:0008380, OMIM 180200, HP:0009919. Disease mechanism: loss of function. Inheritance: Both sporadic and heritable forms are tested..

Submission:

Genetic Diagnostic Laboratory, University of Pennsylvania School of Medicine
Classification: Pathogenic for Retinoblastoma. Last evaluated: 2024-05-20. Review status: criteria provided, single submitter. Criteria: ACMG Guidelines, 2015. Collection method: clinical testing. Allele origin: germline. Affected: yes. Observed: 1 variant allele.
Comment: Case and Pedigree Information: BILATERAL CASES:1, UNILATERAL CASES:0, TOTAL CASES:1, PEDIGREES:1. ACMG Codes Applied:PVS1, PM2